The following is an entry in ClinVar:

ClinVar aggregate classification (germline): Likely benign (0 of 4 stars; one submission).

Conditions:
DCAF4L2-related disorder. Also called: DCAF4L2-related condition.

Allele frequency attached by ClinVar (database versions not stated): gnomAD 0.00001; ExAC 0.00002; gnomAD exomes 0.00002; TOPMed 0.00002.

Submission:

PreventionGenetics, part of Exact Sciences
Classification: Likely benign for DCAF4L2-related condition. Last evaluated: 2019-05-24. Review status: no assertion criteria provided. Collection method: clinical testing. Allele origin: germline.
Comment: This variant is classified as likely benign based on ACMG/AMP sequence variant interpretation guidelines (Richards et al. 2015 PMID: 25741868, with internal and published modifications).

NM_152418.4(DCAF4L2):c.636C>T (p.Asn212=)

Gene: DCAF4L2 (DDB1 and CUL4 associated factor 4 like 2; minus strand). Cytogenetic location: 8q21.3.
Variant type: single nucleotide variant.
Coding change: c.636C>T on transcript NM_152418.4 (MANE Select); coding-DNA position 636, C replaced by T.
Protein change: p.Asn212=; no amino-acid change (asparagine 212 retained).
Molecular consequence: synonymous variant.
Genome position (GRCh38, 1-based): chr8:87,873,336, G>A on the plus strand (C>T on the coding strand, the complement: DCAF4L2 is on the minus strand). VCF-style: chr8-87873336-G-A. GRCh37 (hg19) VCF-style: chr8-88885564-G-A.
Identifiers: ClinVar variation 3039315 (VCV003039315.2), dbSNP rs866117569, ClinGen allele CA4801196.